The following is an entry in ClinVar:

ClinVar aggregate classification (germline): Pathogenic (1 of 4 stars; one submission).

Conditions:
Gaucher disease. Also called: Acute cerebral Gaucher disease; Cerebroside lipidosis syndrome; Gaucher splenomegaly; Sphingolipidosis 1; Glucocerebrosidosis; Glucosylceramidase deficiency. Identifiers: Orphanet 355, MedGen C0017205, MONDO:0018150.

Submission:

Natera, Inc.
Classification: Pathogenic for Gaucher disease. Last evaluated: 2024-08-13. Review status: criteria provided, single submitter. Criteria: Natera Variant Classification Schema (03/2026). Collection method: clinical testing. Allele origin: germline.
Comment: The c.1304A>C variant in GBA1 is a missense variant predicted to cause substitution of asparagine to threonine at amino acid 435. This variant is rare in the general population with a frequency below the threshold expected for the associated phenotype(s). This variant has been observed in one or more individuals affected with the associated recessive disease, as either homozygous or compound heterozygous with a second variant (PMID: 23430543, 22429443, 23754899, 17059888, 10757640). Additionally, this variant has been observed to segregate in affected family members (PMID: 23754899). Computational prediction algorithms indicate this variant is likely to affect gene or protein function. Given the available evidence, this variant is classified as Pathogenic.

Literature cited by the submitters: PubMed 23430543; PubMed 22429443; PubMed 23754899; PubMed 17059888; PubMed 10757640.

NM_000157.4(GBA1):c.1304A>C (p.Asn435Thr)

Genes: GBA1 (glucosylceramidase beta 1; minus strand), LOC106627981 (GBA recombination region; plus strand). Cytogenetic location: 1q22.
Variant type: single nucleotide variant.
Coding change: c.1304A>C on transcript NM_000157.4 (MANE Select); coding-DNA position 1304, A replaced by C.
Protein change: p.Asn435Thr; replaces asparagine 435 with threonine.
Molecular consequence: missense variant.
Genome position (GRCh38, 1-based): chr1:155,235,765, T>G on the plus strand (A>C on the coding strand, the complement: GBA1 is on the minus strand). VCF-style: chr1-155235765-T-G. GRCh37 (hg19) VCF-style: chr1-155205556-T-G.
Other names: c.1304A>C, p.Asn435Thr (NM_001005741.3, NM_001005742.3); c.1043A>C, p.Asn348Thr (NM_001171811.2); c.1157A>C, p.Asn386Thr (NM_001171812.2); short protein forms N348T, N386T, N435T.
Identifiers: ClinVar variation 4817711 (VCV004817711.1).